The following is an entry in ClinVar:

ClinVar aggregate classification (germline): Uncertain significance (1 of 4 stars; one submission).

Conditions:
Inborn genetic diseases. Identifiers: MedGen C0950123, MeSH D030342.

Submission:

Ambry Genetics
Classification: Uncertain significance for Inborn genetic diseases. Last evaluated: 2025-05-19. Review status: criteria provided, single submitter. Criteria: Ambry Variant Classification Scheme 2023. Collection method: clinical testing. Allele origin: germline.
Comment: The p.D921E variant (also known as c.2763C>A), located in coding exon 28 of the RTEL1 gene, results from a C to A substitution at nucleotide position 2763. The aspartic acid at codon 921 is replaced by glutamic acid, an amino acid with highly similar properties. This amino acid position is conserved. In addition, this alteration is predicted to be tolerated by in silico analysis. Based on the available evidence, the clinical significance of this variant remains unclear.

NM_001283009.2(RTEL1):c.2763C>A (p.Asp921Glu)

Genes: RTEL1 (regulator of telomere elongation helicase 1; plus strand), RTEL1-TNFRSF6B (RTEL1-TNFRSF6B readthrough (NMD candidate); plus strand). Cytogenetic location: 20q13.33.
Variant type: single nucleotide variant.
Coding change: c.2763C>A on transcript NM_001283009.2 (MANE Select); coding-DNA position 2763, C replaced by A.
Protein change: p.Asp921Glu; replaces aspartic acid 921 with glutamic acid.
Molecular consequence: missense variant. On other transcripts: non-coding transcript variant (1).
Genome position (GRCh38, 1-based): chr20:63,692,915, C>A. VCF-style: chr20-63692915-C-A. GRCh37 (hg19) VCF-style: chr20-62324268-C-A.
Other names: c.2094C>A, p.Asp698Glu (NM_001283010.1); c.2763C>A, p.Asp921Glu (NM_016434.4); c.2835C>A, p.Asp945Glu (NM_032957.5); short protein forms D945E, D698E, D921E.
Identifiers: ClinVar variation 3948403 (VCV003948403.1).